The following is an entry in ClinVar:

NM_014423.4(AFF4):c.3469C>T (p.Gln1157Ter)

Gene: AFF4 (ALF transcription elongation factor 4; minus strand). Cytogenetic location: 5q31.1.
Variant type: single nucleotide variant.
Coding change: c.3469C>T on transcript NM_014423.4 (MANE Select); coding-DNA position 3469, C replaced by T.
Protein change: p.Gln1157Ter; replaces glutamine 1157 with a stop codon.
Molecular consequence: nonsense.
Genome position (GRCh38, 1-based): chr5:132,881,082, G>A on the plus strand (C>T on the coding strand, the complement: AFF4 is on the minus strand). VCF-style: chr5-132881082-G-A. GRCh37 (hg19) VCF-style: chr5-132216774-G-A.
Other names: short protein forms Q1157*.
Identifiers: ClinVar variation 4729149 (VCV004729149.1).

ClinVar aggregate classification (germline): Uncertain significance (1 of 4 stars; one submission).

Conditions:
Cognitive impairment - coarse facies - heart defects - obesity - pulmonary involvement - short stature - skeletal dysplasia syndrome. Also called: COGNITIVE IMPAIRMENT, COARSE FACIES, HEART DEFECTS, OBESITY, PULMONARY INVOLVEMENT, SHORT STATURE, AND SKELETAL DYSPLASIA; Chops syndrome; AFF4-Related CHOPS Syndrome. Identifiers: Orphanet 444077, MedGen C4085597, MONDO:0014609, OMIM 616368.

Submission:

Labcorp Genetics (formerly Invitae), Labcorp
Classification: Uncertain significance for Cognitive impairment - coarse facies - heart defects - obesity - pulmonary involvement - short stature - skeletal dysplasia syndrome. Last evaluated: 2025-10-18. Review status: criteria provided, single submitter. Criteria: Invitae Variant Classification Sherloc (09022015). Collection method: clinical testing. Allele origin: germline.
Comment: This sequence change creates a premature translational stop signal (p.Gln1157*) in the AFF4 gene. While this is not anticipated to result in nonsense mediated decay, it is expected to disrupt the last 7 amino acid(s) of the AFF4 protein. This variant is not present in population databases (gnomAD no frequency). This variant has not been reported in the literature in individuals affected with AFF4-related conditions. Experimental studies and prediction algorithms are not available or were not evaluated, and the functional significance of this variant is currently unknown. In summary, the available evidence is currently insufficient to determine the role of this variant in disease. Therefore, it has been classified as a Variant of Uncertain Significance.